The following is an entry in ClinVar:

ClinVar aggregate classification (germline): Likely benign. Review status: criteria provided, multiple submitters, no conflicts (2 of 4 stars). 4 submissions from 4 submitters: Likely benign (3). 1 of the submissions does not count toward it. Last evaluated 2026-01-14.

Conditions:
NPHP4-related disorder. Also called: NPHP4-related disorders; NPHP4-related condition. Identifiers: MedGen CN239384.
Nephronophthisis. Also called: Juvenile Nephronophthisis. Identifiers: MedGen C0687120, MONDO:0019005, HP:0000090, Orphanet 655.
Nephronophthisis 4 (NPHP4). Also called: NEPHRONOPHTHISIS 4, JUVENILE. Identifiers: Orphanet 655, MedGen C1847013, MONDO:0011752, OMIM 606966.
Senior-Loken syndrome 4 (SLSN4). Identifiers: Orphanet 3156, MedGen C1846979, MONDO:0011756, OMIM 606996.

Allele frequency attached by ClinVar (database versions not stated): gnomAD exomes 0.00009; ExAC 0.00014; 1000 Genomes Project 30x 0.00016; 1000 Genomes Project 0.00020; TOPMed 0.00030; gnomAD 0.00032 and 0.00036; ESP Exome Variant Server 0.00033.
gnomAD v4.1: 87 of 1,607,974 alleles (0.0054%); highest among the groups gnomAD compares: African/African-American, 0.1%; no homozygotes.

Submissions (4):

Labcorp Genetics (formerly Invitae), Labcorp
Classification: Likely benign for Nephronophthisis. Last evaluated: 2026-01-14. Review status: criteria provided, single submitter. Criteria: Invitae Variant Classification Sherloc (09022015). Collection method: clinical testing. Allele origin: germline.

Blueprint Genetics
Classification: Likely benign. Last evaluated: 2023-11-20. Review status: criteria provided, single submitter. Criteria: ACMG Guidelines, 2015. Collection method: clinical testing. Allele origin: germline.

Fulgent Genetics
Classification: Likely benign for Nephronophthisis 4; Senior-Loken syndrome 4. Last evaluated: 2021-07-16. Review status: criteria provided, single submitter. Criteria: ACMG Guidelines, 2015. Collection method: clinical testing. Allele origin: unknown.

PreventionGenetics, part of Exact Sciences
Classification: Likely benign for NPHP4-related condition. Last evaluated: 2024-02-22. Review status: no assertion criteria provided. Collection method: clinical testing. Allele origin: germline. Not counted in ClinVar's aggregate classification.
Comment: This variant is classified as likely benign based on ACMG/AMP sequence variant interpretation guidelines (Richards et al. 2015 PMID: 25741868, with internal and published modifications).

NM_015102.5(NPHP4):c.1623G>T (p.Pro541=)

Gene: NPHP4 (nephrocystin 4; minus strand). Cytogenetic location: 1p36.31.
Variant type: single nucleotide variant.
Coding change: c.1623G>T on transcript NM_015102.5 (MANE Select); coding-DNA position 1623, G replaced by T.
Protein change: p.Pro541=; no amino-acid change (proline 541 retained).
Molecular consequence: synonymous variant. On other transcripts: non-coding transcript variant (1).
Genome position (GRCh38, 1-based): chr1:5,905,772, C>A on the plus strand (G>T on the coding strand, the complement: NPHP4 is on the minus strand). VCF-style: chr1-5905772-C-A. GRCh37 (hg19) VCF-style: chr1-5965832-C-A.
Other names: c.84G>T, p.Pro28= (NM_001291593.2); c.87G>T, p.Pro29= (NM_001291594.2); c.1623G>T (NM_015102.4).
Identifiers: ClinVar variation 1078865 (VCV001078865.13), dbSNP rs375796182, ClinGen allele CA554422.